The following is an entry in ClinVar:

NM_025179.4(PLXNA2):c.221C>G (p.Thr74Arg)

Gene: PLXNA2 (plexin A2; minus strand). Cytogenetic location: 1q32.2.
Variant type: single nucleotide variant.
Coding change: c.221C>G on transcript NM_025179.4 (MANE Select); coding-DNA position 221, C replaced by G.
Protein change: p.Thr74Arg; replaces threonine 74 with arginine.
Molecular consequence: missense variant.
Genome position (GRCh38, 1-based): chr1:208,217,702, G>C on the plus strand (C>G on the coding strand, the complement: PLXNA2 is on the minus strand). VCF-style: chr1-208217702-G-C. GRCh37 (hg19) VCF-style: chr1-208391047-G-C.
Other names: short protein forms T74R.
Identifiers: ClinVar variation 3355594 (VCV003355594.3).

ClinVar aggregate classification (germline): Uncertain significance. Review status: criteria provided, multiple submitters, no conflicts (2 of 4 stars). 3 submissions from 3 submitters: Uncertain significance (2). 1 of the submissions does not count toward it. Last evaluated 2025-12-10.

Conditions:
PLXNA2-related disorder. Also called: PLXNA2-related condition.

gnomAD v4.1: 31 of 1,614,102 alleles (0.0019%); highest among the groups gnomAD compares: South Asian, 0.021%; no homozygotes.

Submissions (3):

Labcorp Genetics (formerly Invitae), Labcorp
Classification: Uncertain significance. Last evaluated: 2025-12-10. Review status: criteria provided, single submitter. Criteria: Invitae Variant Classification Sherloc (09022015). Collection method: clinical testing. Allele origin: germline.
Comment: This sequence change replaces threonine, which is neutral and polar, with arginine, which is basic and polar, at codon 74 of the PLXNA2 protein (p.Thr74Arg). This variant is present in population databases (rs766481422, gnomAD 0.02%). This variant has not been reported in the literature in individuals affected with PLXNA2-related conditions. ClinVar contains an entry for this variant (Variation ID: 3355594). Invitae Evidence Modeling of protein sequence and biophysical properties (such as structural, functional, and spatial information, amino acid conservation, physicochemical variation, residue mobility, and thermodynamic stability) indicates that this missense variant is not expected to disrupt PLXNA2 protein function with a negative predictive value of 80%. In summary, the available evidence is currently insufficient to determine the role of this variant in disease. Therefore, it has been classified as a Variant of Uncertain Significance.

Ambry Genetics
Classification: Uncertain significance. Last evaluated: 2025-11-26. Review status: criteria provided, single submitter. Criteria: Ambry Variant Classification Scheme 2023. Collection method: clinical testing. Allele origin: germline.

PreventionGenetics, part of Exact Sciences
Classification: Uncertain significance for PLXNA2-related condition. Last evaluated: 2024-01-15. Review status: no assertion criteria provided. Collection method: clinical testing. Allele origin: germline. Not counted in ClinVar's aggregate classification.
Comment: The PLXNA2 c.221C>G variant is predicted to result in the amino acid substitution p.Thr74Arg. To our knowledge, this variant has not been reported in the literature. This variant is reported in 0.020% of alleles in individuals of South Asian descent in gnomAD. At this time, the clinical significance of this variant is uncertain due to the absence of conclusive functional and genetic evidence.